The following is an entry in ClinVar:

ClinVar aggregate classification (germline): Conflicting classifications of pathogenicity. Review status: criteria provided, conflicting classifications (1 of 4 stars). 2 submissions from 2 submitters: Uncertain significance (1); Likely benign (1). Last evaluated 2025-10-27.

Conditions:
Congenital heart defects, dysmorphic facial features, and intellectual developmental disorder (CHDFIDD). Identifiers: Orphanet 646278, MedGen C4479246, MONDO:0044302, OMIM 617360.

Allele frequency attached by ClinVar (database versions not stated): 1000 Genomes Project 0.00020; gnomAD exomes 0.00020 and 0.00004; 1000 Genomes Project 30x 0.00016; TOPMed 0.00009; gnomAD 0.00003; ExAC 0.00015.
gnomAD v4.1: 58 of 1,614,140 alleles (0.0036%); highest among the groups gnomAD compares: Admixed American, 0.093%; no homozygotes.

Submissions (2):

Labcorp Genetics (formerly Invitae), Labcorp
Classification: Likely benign. Last evaluated: 2025-10-27. Review status: criteria provided, single submitter. Criteria: Invitae Variant Classification Sherloc (09022015). Collection method: clinical testing. Allele origin: germline.

Baylor Genetics
Classification: Uncertain significance for Congenital heart defects, dysmorphic facial features, and intellectual developmental disorder. Last evaluated: 2018-01-27. Review status: criteria provided, single submitter. Criteria: ACMG Guidelines, 2015. Collection method: clinical testing. Allele origin: maternal. Affected: yes.
Comment: This variant was determined to be of uncertain significance according to ACMG Guidelines, 2015 [PMID:25741868].

NM_003718.5(CDK13):c.3271G>A (p.Glu1091Lys)

Gene: CDK13 (cyclin dependent kinase 13; plus strand). Cytogenetic location: 7p14.1.
Variant type: single nucleotide variant.
Coding change: c.3271G>A on transcript NM_003718.5 (MANE Select); coding-DNA position 3271, G replaced by A.
Protein change: p.Glu1091Lys; replaces glutamic acid 1091 with lysine.
Molecular consequence: missense variant. On other transcripts: intron variant (1).
Genome position (GRCh38, 1-based): chr7:40,092,820, G>A. VCF-style: chr7-40092820-G-A. GRCh37 (hg19) VCF-style: chr7-40132419-G-A.
Other names: c.3236-145G>A (NM_031267.3); short protein forms E1091K.
Identifiers: ClinVar variation 709063 (VCV000709063.9), dbSNP rs182845040, ClinGen allele CA4228918.